The following is an entry in ClinVar:

NM_004995.4(MMP14):c.*9G>A

Gene: MMP14 (matrix metallopeptidase 14; plus strand). Cytogenetic location: 14q11.2.
Variant type: single nucleotide variant.
Coding change: c.*9G>A on transcript NM_004995.4 (MANE Select); 9 bases downstream of the stop codon, G replaced by A.
Molecular consequence: 3 prime UTR variant.
Genome position (GRCh38, 1-based): chr14:22,846,048, G>A. VCF-style: chr14-22846048-G-A. GRCh37 (hg19) VCF-style: chr14-23315257-G-A.
Identifiers: ClinVar variation 3052224 (VCV003052224.2), dbSNP rs375367493, ClinGen allele CA7105554.

ClinVar aggregate classification (germline): Benign (0 of 4 stars; one submission).

Conditions:
MMP14-related disorder. Also called: MMP14-related condition.

Allele frequency attached by ClinVar (database versions not stated): ESP Exome Variant Server 0.00066; gnomAD exomes 0.00087; ExAC 0.00113.
gnomAD v4.1: 1,280 of 1,462,554 alleles (0.088%); highest among the groups gnomAD compares: Non-Finnish European, 0.086%; 2 homozygotes.

Submission:

PreventionGenetics, part of Exact Sciences
Classification: Benign for MMP14-related condition. Last evaluated: 2020-07-31. Review status: no assertion criteria provided. Collection method: clinical testing. Allele origin: germline.
Comment: This variant is classified as benign based on ACMG/AMP sequence variant interpretation guidelines (Richards et al. 2015 PMID: 25741868, with internal and published modifications).